The following is an entry in ClinVar:

NM_000742.4(CHRNA2):c.930C>T (p.Phe310=)

Gene: CHRNA2 (cholinergic receptor nicotinic alpha 2 subunit; minus strand). Cytogenetic location: 8p21.2.
Variant type: single nucleotide variant.
Coding change: c.930C>T on transcript NM_000742.4 (MANE Select); coding-DNA position 930, C replaced by T.
Protein change: p.Phe310=; no amino-acid change (phenylalanine 310 retained).
Molecular consequence: synonymous variant.
Genome position (GRCh38, 1-based): chr8:27,463,513, G>A on the plus strand (C>T on the coding strand, the complement: CHRNA2 is on the minus strand). VCF-style: chr8-27463513-G-A. GRCh37 (hg19) VCF-style: chr8-27321030-G-A.
Other names: p.F310F:TTC>TTT; c.885C>T, p.Phe295= (NM_001282455.2); c.453C>T, p.Phe151= (NM_001347705.2, NM_001347706.2); c.336C>T, p.Phe112= (NM_001347707.2, NM_001347708.2).
Identifiers: ClinVar variation 136751 (VCV000136751.14), dbSNP rs554976506, ClinGen allele CA290077.
Genomic context (GRCh38, chr8:27,463,513, plus strand): 5'-CTCGCCGATGAGCGGGATGACCAGCGAGGTGGACGGGATGATCTCAGTGATGAGCAGCAG[G>A]AAGACGGTGAGTGACAGCAGCACCGAAATGCACAGCGTGATCTTCTCGCCGCAGTCGGAG-3'
Protein context (NP_000733.2, residues 300-320): CISVLLSLTV[Phe310=]LLLITEIIPS

ClinVar aggregate classification (germline): Benign/Likely benign. Review status: criteria provided, multiple submitters, no conflicts (2 of 4 stars). 4 submissions from 4 submitters: Benign (3); Likely benign (1). Last evaluated 2025-12-15.

Conditions:
Familial sleep-related hypermotor epilepsy. Also called: Autosomal Dominant Sleep-Related Hypermotor (Hyperkinetic) Epilepsy. Identifiers: Orphanet 98784, MedGen C3696898, MONDO:0000030.
Inborn genetic diseases. Identifiers: MedGen C0950123, MeSH D030342.
Autosomal dominant nocturnal frontal lobe epilepsy 4. Also called: CHRNA2-Related Nocturnal Frontal Lobe Epilepsy, Autosomal Dominant; EPILEPSY, FAMILIAL, WITH NOCTURNAL WANDERING AND ICTAL FEAR. Identifiers: Orphanet 98784, MedGen C1835905, MONDO:0012474, OMIM 610353.

Allele frequency attached by ClinVar (database versions not stated): gnomAD 0.00015 and 0.00002; gnomAD exomes 0.00029 and 0.00062; ExAC 0.00066; 1000 Genomes Project 30x 0.00047; TOPMed 0.00002; 1000 Genomes Project 0.00060.
gnomAD v4.1: 432 of 1,614,230 alleles (0.027%); highest among the groups gnomAD compares: South Asian, 0.46%; 4 homozygotes.

Submissions (4):

Labcorp Genetics (formerly Invitae), Labcorp
Classification: Benign. Last evaluated: 2025-12-15. Review status: criteria provided, single submitter. Criteria: Invitae Variant Classification Sherloc (09022015). Collection method: clinical testing. Allele origin: germline.

Illumina Laboratory Services, Illumina
Classification: Benign for Autosomal dominant nocturnal frontal lobe epilepsy 4. Last evaluated: 2018-01-12. Review status: criteria provided, single submitter. Criteria: ICSL Variant Classification Criteria 13 December 2019. Collection method: clinical testing. Allele origin: germline.
Comment: This variant was observed in the ICSL laboratory as part of a predisposition screen in an ostensibly healthy population. It had not been previously curated by ICSL or reported in the Human Gene Mutation Database (HGMD: prior to June 1st, 2018), and was therefore a candidate for classification through an automated scoring system. Utilizing variant allele frequency, disease prevalence and penetrance estimates, and inheritance mode, an automated score was calculated to assess if this variant is too frequent to cause the disease. Based on the score and internal cut-off values, a variant classified as benign is not then subjected to further curation. The score for this variant resulted in a classification of benign for this disease.

Ambry Genetics
Classification: Likely benign for Inborn genetic diseases. Last evaluated: 2017-12-17. Review status: criteria provided, single submitter. Criteria: Ambry Variant Classification Scheme 2023. Collection method: clinical testing. Allele origin: germline.

GeneDx
Classification: Benign. Last evaluated: 2014-02-17. Review status: criteria provided, single submitter. Criteria: GeneDx Variant Classification (06012015). Collection method: clinical testing. Allele origin: germline. Affected: yes.
Comment: This variant is considered likely benign or benign based on one or more of the following criteria: it is a conservative change, it occurs at a poorly conserved position in the protein, it is predicted to be benign by multiple in silico algorithms, and/or has population frequency not consistent with disease.